The following is an entry in ClinVar:

NM_020822.3(KCNT1):c.2717A>G (p.Gln906Arg)

Gene: KCNT1 (potassium sodium-activated channel subfamily T member 1; plus strand). Cytogenetic location: 9q34.3.
Variant type: single nucleotide variant.
Coding change: c.2717A>G on transcript NM_020822.3 (MANE Select); coding-DNA position 2717, A replaced by G.
Protein change: p.Gln906Arg; replaces glutamine 906 with arginine.
Molecular consequence: missense variant.
Genome position (GRCh38, 1-based): chr9:135,778,810, A>G. VCF-style: chr9-135778810-A-G. GRCh37 (hg19) VCF-style: chr9-138670656-A-G.
Other names: c.2582A>G, p.Gln861Arg (NM_001272003.2); short protein forms Q861R, Q906R.
Identifiers: ClinVar variation 655949 (VCV000655949.12), dbSNP rs1588385233, ClinGen allele CA375515349.

ClinVar aggregate classification (germline): Pathogenic. Review status: criteria provided, single submitter (1 of 4 stars). 2 submissions from 2 submitters: Pathogenic (1). 1 of the submissions does not count toward it. Last evaluated 2019-07-15.

Conditions:
Autosomal dominant nocturnal frontal lobe epilepsy 5. Also called: Epilepsy, nocturnal frontal lobe, 5; KCNT1-Related Epilepsy; CILIARY DYSKINESIA, PRIMARY, 28, WITHOUT SITUS INVERSUS; CILIARY DYSKINESIA, PRIMARY, 28, WITH SITUS INVERSUS. Identifiers: Orphanet 98784, MedGen C3554306, MONDO:0014002, OMIM 615005.
Developmental and epileptic encephalopathy, 14 (DEE14). Also called: Early infantile epileptic encephalopathy 14. Identifiers: Orphanet 293181, MedGen C3554195, MONDO:0013989, OMIM 614959.

Submissions (2):

Labcorp Genetics (formerly Invitae), Labcorp
Classification: Pathogenic for Autosomal dominant nocturnal frontal lobe epilepsy 5; Developmental and epileptic encephalopathy, 14. Last evaluated: 2019-07-15. Review status: criteria provided, single submitter. Criteria: Invitae Variant Classification Sherloc (09022015). Collection method: clinical testing. Allele origin: germline.
Comment: This variant disrupts the p.Gln906 amino acid residue in KCNT1. Other variant(s) that disrupt this residue have been observed in affected individuals (PMID: 26597493), which suggests that this may be a clinically significant amino acid residue. Algorithms developed to predict the effect of missense changes on protein structure and function (SIFT, PolyPhen-2, Align-GVGD) all suggest that this variant is likely to be disruptive, but these predictions have not been confirmed by published functional studies and their clinical significance is uncertain. This variant is not present in population databases (ExAC no frequency). This sequence change replaces glutamine with arginine at codon 906 of the KCNT1 protein (p.Gln906Arg). The glutamine residue is highly conserved and there is a small physicochemical difference between glutamine and arginine. For these reasons, this variant has been classified as Pathogenic.

Center of Excellence for Medical Genomics, Chulalongkorn University
Classification: Pathogenic for Autosomal dominant nocturnal frontal lobe epilepsy 5. Last evaluated: 2002-09-08. Review status: no assertion criteria provided. Collection method: research. Allele origin: de novo. Affected: yes. Not counted in ClinVar's aggregate classification.

Literature cited by the submitters: PubMed 26597493 (cited by Labcorp Genetics (formerly Invitae), Labcorp).